The following is an entry in ClinVar:

NM_004035.7(ACOX1):c.91C>T (p.Arg31Trp)

Gene: ACOX1 (acyl-CoA oxidase 1; minus strand). Cytogenetic location: 17q25.1.
Variant type: single nucleotide variant.
Coding change: c.91C>T on transcript NM_004035.7 (MANE Select); coding-DNA position 91, C replaced by T.
Protein change: p.Arg31Trp; replaces arginine 31 with tryptophan.
Molecular consequence: missense variant. On other transcripts: 5 prime UTR variant (1).
Genome position (GRCh38, 1-based): chr17:75,978,983, G>A on the plus strand (C>T on the coding strand, the complement: ACOX1 is on the minus strand). VCF-style: chr17-75978983-G-A. GRCh37 (hg19) VCF-style: chr17-73975064-G-A.
Other names: c.-198C>T (NM_001185039.2); c.91C>T, p.Arg31Trp (NM_007292.6); c.91C>T (NM_004035.6); short protein forms R31W.
Identifiers: ClinVar variation 1490524 (VCV001490524.9), dbSNP rs549222813, ClinGen allele CA8777162.

ClinVar aggregate classification (germline): Uncertain significance. Review status: criteria provided, multiple submitters, no conflicts (2 of 4 stars). 2 submissions from 2 submitters: Uncertain significance (2). Last evaluated 2025-12-26.

Conditions:
Acyl-CoA oxidase deficiency. Also called: Peroxisomal acyl-CoA oxidase deficiency; STRAIGHT-CHAIN ACYL-CoA OXIDASE DEFICIENCY; Pseudoneonatal adrenoleukodystrophy. Identifiers: Orphanet 2971, MedGen C1849678, MONDO:0009919, OMIM 264470. Disease mechanism: loss of function.
ACOX1-related disorder. Also called: ACOX1-related condition; ACOX1-related disorders.

Allele frequency attached by ClinVar (database versions not stated): gnomAD 0.00001; gnomAD exomes 0.00001; TOPMed 0.00001; ExAC 0.00002; 1000 Genomes Project 30x 0.00016; 1000 Genomes Project 0.00020.
gnomAD v4.1: 11 of 1,610,716 alleles (0.00068%); highest among the groups gnomAD compares: Admixed American, 0.0033%; no homozygotes.

Submissions (2):

PreventionGenetics, part of Exact Sciences
Classification: Uncertain significance for ACOX1-related condition. Last evaluated: 2025-12-26. Review status: criteria provided, single submitter. Criteria: ACMG Guidelines, 2015. Collection method: clinical testing. Allele origin: germline.
Comment: The ACOX1 c.91C>T variant is predicted to result in the amino acid substitution p.Arg31Trp. To our knowledge, this variant has not been reported in the literature. This variant is reported in 0.0029% of alleles in individuals of Latino descent in gnomAD. At this time, the clinical significance of this variant is uncertain due to the absence of conclusive functional and genetic evidence.

Labcorp Genetics (formerly Invitae), Labcorp
Classification: Uncertain significance for Acyl-CoA oxidase deficiency. Last evaluated: 2024-11-20. Review status: criteria provided, single submitter. Criteria: Invitae Variant Classification Sherloc (09022015). Collection method: clinical testing. Allele origin: germline.
Comment: This sequence change replaces arginine, which is basic and polar, with tryptophan, which is neutral and slightly polar, at codon 31 of the ACOX1 protein (p.Arg31Trp). This variant is present in population databases (rs549222813, gnomAD 0.003%). This variant has not been reported in the literature in individuals affected with ACOX1-related conditions. ClinVar contains an entry for this variant (Variation ID: 1490524). Invitae Evidence Modeling of protein sequence and biophysical properties (such as structural, functional, and spatial information, amino acid conservation, physicochemical variation, residue mobility, and thermodynamic stability) indicates that this missense variant is expected to disrupt ACOX1 protein function with a positive predictive value of 80%. In summary, the available evidence is currently insufficient to determine the role of this variant in disease. Therefore, it has been classified as a Variant of Uncertain Significance.